The following is an entry in ClinVar:

ClinVar aggregate classification (germline): Conflicting classifications of pathogenicity. Review status: criteria provided, conflicting classifications (1 of 4 stars). 4 submissions from 4 submitters: Likely pathogenic (1); Uncertain significance (3). Last evaluated 2021-11-07.

Conditions:
Mucopolysaccharidosis, MPS-IV-A (MPS4A). Also called: MPS IVA; Mucopolysaccharidosis Type IVA; Morquio syndrome A, mild; MORQUIO A DISEASE; mucopolysaccharidosis type 4A; Mucopolysaccharidosis type IV A. Identifiers: Orphanet 309297, Orphanet 582, MedGen C0086651, MONDO:0009659, OMIM 253000.

Submissions (4):

Genome-Nilou Lab
Classification: Uncertain significance for Mucopolysaccharidosis, MPS-IV-A. Last evaluated: 2021-11-07. Review status: criteria provided, single submitter. Criteria: ACMG Guidelines, 2015. Collection method: clinical testing. Allele origin: germline. Affected: no.

Women's Health and Genetics/Laboratory Corporation of America, LabCorp
Classification: Uncertain significance. Last evaluated: 2021-09-14. Review status: criteria provided, single submitter. Criteria: LabCorp Variant Classification Summary - May 2015. Collection method: clinical testing. Allele origin: germline.
Comment: Variant summary: GALNS c.707A>G (p.His236Arg) results in a non-conservative amino acid change located in the Sulfatase, N-terminal (IPR000917) of the encoded protein sequence. Five of five in-silico tools predict a damaging effect of the variant on protein function. The variant was absent in 251390 control chromosomes. The available data on variant occurrences in the general population are insufficient to allow any conclusion about variant significance. c.707A>G has been reported in the literature as a compound heterozygous genotype with c.281G>T (p.Arg94Leu) in at-least one individual affected with a confirmed molecular and biochemical diagnosis of Mucopolysaccharidosis Type IVA (Morquio Syndrome A), from Ceara state of the Northeastern region of Brazil who underwent full gene sequencing for the GALNS gene (example, Bochernistan_2018, PMID not available). These data do not allow any conclusion about variant significance. To our knowledge, no experimental evidence demonstrating an impact on protein function has been reported. One clinical diagnostic laboratory has submitted clinical-significance assessments for this variant to ClinVar after 2014 without evidence for independent evaluation and classified the variant as likely pathogenic. Based on the evidence outlined above, until additional clinical/functional evidence is obtained, the variant was classified as uncertain significance.

Laboratory of Diagnosis and Therapy of Lysosomal Disorders, University of Padova
Classification: Likely pathogenic for Mucopolysaccharidosis, MPS-IV-A. Last evaluated: 2021-02-01. Review status: criteria provided, single submitter. Criteria: ACMG Guidelines, 2015. Collection method: research. Allele origin: germline. Affected: yes.
Comment: The prevalence of the variant in affected individuals is significantly increased compared with the prevalence in controls (PS4_supporting); located in a mutational hot spot and/or critical and well-established functional domain without benign variation (PM1_moderate); absent from gnomAD v2.1.1 (PM2_moderate); multiple lines of computational evidence support a deleterious effect on the gene (PP3_supporting)

Eurofins Ntd Llc (ga)
Classification: Uncertain significance. Last evaluated: 2013-11-07. Review status: criteria provided, single submitter. Criteria: EGL Classification Definitions 2015. Collection method: clinical testing. Allele origin: germline. Observed: 1 variant allele, 1 homozygote.

Literature cited by the submitters: PubMed 34387910 (cited by Laboratory of Diagnosis and Therapy of Lysosomal Disorders, University of Padova).

NM_000512.5(GALNS):c.707A>G (p.His236Arg)

Gene: GALNS (galactosamine (N-acetyl)-6-sulfatase; minus strand). Cytogenetic location: 16q24.3.
Variant type: single nucleotide variant.
Coding change: c.707A>G on transcript NM_000512.5 (MANE Select); coding-DNA position 707, A replaced by G.
Protein change: p.His236Arg; replaces histidine 236 with arginine.
Molecular consequence: missense variant.
Genome position (GRCh38, 1-based): chr16:88,835,776, T>C on the plus strand (A>G on the coding strand, the complement: GALNS is on the minus strand). VCF-style: chr16-88835776-T-C. GRCh37 (hg19) VCF-style: chr16-88902184-T-C.
Other names: c.152A>G, p.His51Arg (NM_001323543.2); c.725A>G, p.His242Arg (NM_001323544.2); short protein forms H236R, H242R, H51R.
Identifiers: ClinVar variation 93185 (VCV000093185.13), dbSNP rs398123441, ClinGen allele CA221061.